The following is an entry in ClinVar:

ClinVar aggregate classification (germline): Uncertain significance. Review status: criteria provided, multiple submitters, no conflicts (2 of 4 stars). 2 submissions from 2 submitters: Uncertain significance (2). Last evaluated 2025-05-19.

Conditions:
Inborn genetic diseases. Identifiers: MedGen C0950123, MeSH D030342.
Peroxisome biogenesis disorder 3A (Zellweger). Also called: PEROXISOMAL BIOGENESIS DISORDER 3A (ZELLWEGER); Peroxisome biogenesis disorder 3A. Identifiers: Orphanet 912, MedGen C3553929, MONDO:0013927, OMIM 614859.

Allele frequency attached by ClinVar (database versions not stated): gnomAD 0.00002; gnomAD exomes 0.00003; TOPMed 0.00003; ExAC 0.00003.

Submissions (2):

Ambry Genetics
Classification: Uncertain significance for Inborn genetic diseases. Last evaluated: 2025-05-19. Review status: criteria provided, single submitter. Criteria: Ambry Variant Classification Scheme 2023. Collection method: clinical testing. Allele origin: germline.

Labcorp Genetics (formerly Invitae), Labcorp
Classification: Uncertain significance for Peroxisome biogenesis disorder 3A (Zellweger). Last evaluated: 2022-07-09. Review status: criteria provided, single submitter. Criteria: Invitae Variant Classification Sherloc (09022015). Collection method: clinical testing. Allele origin: germline.
Comment: This sequence change replaces valine, which is neutral and non-polar, with alanine, which is neutral and non-polar, at codon 253 of the PEX12 protein (p.Val253Ala). This variant is present in population databases (rs773962549, gnomAD 0.007%). This variant has not been reported in the literature in individuals affected with PEX12-related conditions. ClinVar contains an entry for this variant (Variation ID: 837340). Algorithms developed to predict the effect of missense changes on protein structure and function are either unavailable or do not agree on the potential impact of this missense change (SIFT: "Tolerated"; PolyPhen-2: "Possibly Damaging"; Align-GVGD: "Class C0"). In summary, the available evidence is currently insufficient to determine the role of this variant in disease. Therefore, it has been classified as a Variant of Uncertain Significance.

NM_000286.3(PEX12):c.758T>C (p.Val253Ala)

Gene: PEX12 (peroxisomal biogenesis factor 12; minus strand). Cytogenetic location: 17q12.
Variant type: single nucleotide variant.
Coding change: c.758T>C on transcript NM_000286.3 (MANE Select); coding-DNA position 758, T replaced by C.
Protein change: p.Val253Ala; replaces valine 253 with alanine.
Molecular consequence: missense variant.
Genome position (GRCh38, 1-based): chr17:35,576,104, A>G on the plus strand (T>C on the coding strand, the complement: PEX12 is on the minus strand). VCF-style: chr17-35576104-A-G. GRCh37 (hg19) VCF-style: chr17-33903123-A-G.
Other names: short protein forms V253A.
Identifiers: ClinVar variation 837340 (VCV000837340.4), dbSNP rs773962549, ClinGen allele CA8504846.